The following is an entry in ClinVar:

ClinVar aggregate classification (germline): Uncertain significance (1 of 4 stars; one submission).

Conditions:
Treacher Collins syndrome 1 (TCS1). Also called: TCOF1-Related Treacher Collins Syndrome. Identifiers: Orphanet 861, MedGen CN315775, MONDO:0007944, OMIM 154500.

gnomAD v4.1: 34 of 1,608,714 alleles (0.0021%); highest among the groups gnomAD compares: South Asian, 0.037%; 1 homozygote.

Submission:

Labcorp Genetics (formerly Invitae), Labcorp
Classification: Uncertain significance for Treacher Collins syndrome 1. Last evaluated: 2025-01-25. Review status: criteria provided, single submitter. Criteria: Invitae Variant Classification Sherloc (09022015). Collection method: clinical testing. Allele origin: germline.
Comment: This sequence change replaces threonine, which is neutral and polar, with alanine, which is neutral and non-polar, at codon 1384 of the TCOF1 protein (p.Thr1384Ala). This variant is present in population databases (rs551923695, gnomAD 0.04%). This variant has not been reported in the literature in individuals affected with TCOF1-related conditions. An algorithm developed to predict the effect of missense changes on protein structure and function (PolyPhen-2) suggests that this variant is likely to be tolerated. In summary, the available evidence is currently insufficient to determine the role of this variant in disease. Therefore, it has been classified as a Variant of Uncertain Significance.

NM_001371623.1(TCOF1):c.4153A>G (p.Thr1385Ala)

Gene: TCOF1 (treacle ribosome biogenesis factor 1; plus strand). Cytogenetic location: 5q32.
Variant type: single nucleotide variant.
Coding change: c.4153A>G on transcript NM_001371623.1 (MANE Select); coding-DNA position 4153, A replaced by G.
Protein change: p.Thr1385Ala; replaces threonine 1385 with alanine.
Molecular consequence: missense variant.
Genome position (GRCh38, 1-based): chr5:150,396,650, A>G. VCF-style: chr5-150396650-A-G. GRCh37 (hg19) VCF-style: chr5-149776213-A-G.
Other names: c.3919A>G, p.Thr1307Ala (NM_000356.4, NM_001437406.1); c.4150A>G, p.Thr1384Ala (NM_001135243.2); c.4039A>G, p.Thr1347Ala (NM_001135244.2); c.3922A>G, p.Thr1308Ala (NM_001135245.2); c.4036A>G, p.Thr1346Ala (NM_001195141.2); short protein forms T1346A, T1347A, T1308A, T1384A, T1385A, T1307A.
Identifiers: ClinVar variation 4695262 (VCV004695262.1).